The following is an entry in ClinVar:

NM_001378120.1(MBD5):c.4297G>A (p.Glu1433Lys)

Gene: MBD5 (methyl-CpG binding domain protein 5; plus strand). Cytogenetic location: 2q23.1.
Variant type: single nucleotide variant.
Coding change: c.4297G>A on transcript NM_001378120.1 (MANE Select); coding-DNA position 4297, G replaced by A.
Protein change: p.Glu1433Lys; replaces glutamic acid 1433 with lysine.
Molecular consequence: missense variant.
Genome position (GRCh38, 1-based): chr2:148,489,929, G>A. VCF-style: chr2-148489929-G-A. GRCh37 (hg19) VCF-style: chr2-149247498-G-A.
Other names: c.4297G>A, p.Glu1433Lys (NM_001438854.1, NM_001438856.1, NM_001438857.1 and 1 more transcripts); c.3598G>A, p.Glu1200Lys (NM_001438855.1, NM_001438859.1, NM_001438860.1 and 3 more transcripts); short protein forms E1200K, E1433K.
Identifiers: ClinVar variation 4881960 (VCV004881960.2).

ClinVar aggregate classification (germline): Uncertain significance (1 of 4 stars; one submission).

Conditions:
Intellectual developmental disorder, autosomal dominant 1. Also called: MBD5 Haploinsufficiency; Intellectual disability, autosomal dominant 1. Identifiers: Orphanet 228402, MedGen C1969562, MONDO:0007974, OMIM 156200.

gnomAD v4.1: 1 of 1,614,008 alleles (0.000062%); highest among the groups gnomAD compares: Non-Finnish European, 0.000085%; no homozygotes.

Submission:

Dasa
Classification: Uncertain significance for intellectual disability, autosomal dominant 1. Last evaluated: 2025-11-06. Review status: criteria provided, single submitter. Criteria: DASA Assertion Criteria. Collection method: clinical testing. Allele origin: germline.
Comment: NM_001378120.1(MBD5):c.4297G>A (p.Glu1433Lys) is a missense variant that results in the substitution of glutamic acid with lysine. This variant is rare in population databases. The currently available literature and clinical evidence are not sufficient to establish a definitive association between this variant and the reported condition. Therefore, this variant is classified as a variant of uncertain significance.